The following is an entry in ClinVar:

ClinVar aggregate classification (germline): Uncertain significance (1 of 4 stars; one submission).

Submission:

Athena Diagnostics
Classification: Uncertain significance. Last evaluated: 2025-02-28. Review status: criteria provided, single submitter. Criteria: Athena Diagnostics Criteria. Collection method: clinical testing. Allele origin: unknown.
Comment: Available data are insufficient to determine the clinical significance of the variant at this time. This variant has not been reported in large, multi-ethnic general populations. Polyphen and MutationTaster yielded discordant predictions regarding whether this amino acid change is damaging to the protein.

NM_198859.4(PRICKLE2):c.2144C>A (p.Pro715His)

Genes: PRICKLE2 (prickle planar cell polarity protein 2; minus strand), PRICKLE2-AS1 (PRICKLE2 antisense RNA 1; plus strand). Cytogenetic location: 3p14.1.
Variant type: single nucleotide variant.
Coding change: c.2144C>A on transcript NM_198859.4 (MANE Select); coding-DNA position 2144, C replaced by A.
Protein change: p.Pro715His; replaces proline 715 with histidine.
Molecular consequence: missense variant. On other transcripts: non-coding transcript variant (1).
Genome position (GRCh38, 1-based): chr3:64,099,442, G>T on the plus strand (C>A on the coding strand, the complement: PRICKLE2 is on the minus strand). VCF-style: chr3-64099442-G-T. GRCh37 (hg19) VCF-style: chr3-64085118-G-T.
Other names: c.2144C>A, p.Pro715His (NM_001370528.1); short protein forms P715H.
Identifiers: ClinVar variation 4682349 (VCV004682349.1).